The following is an entry in ClinVar:

ClinVar aggregate classification (germline): Uncertain significance (0 of 4 stars; one submission).

Conditions:
AIFM1-related disorder. Also called: AIFM1-related condition.

gnomAD v4.1: 2 of 1,201,347 alleles (0.00017%); no homozygotes.

Submission:

PreventionGenetics, part of Exact Sciences
Classification: Uncertain significance for AIFM1-related condition. Last evaluated: 2023-11-02. Review status: no assertion criteria provided. Collection method: clinical testing. Allele origin: germline.
Comment: The AIFM1 c.32C>G variant is predicted to result in the amino acid substitution p.Ala11Gly. To our knowledge, this variant has not been reported in the literature or in a large population database, indicating this variant is rare. At this time, the clinical significance of this variant is uncertain due to the absence of conclusive functional and genetic evidence.

NM_004208.4(AIFM1):c.32C>G (p.Ala11Gly)

Genes: AIFM1 (apoptosis inducing factor mitochondria associated 1; minus strand), RAB33A (RAB33A, member RAS oncogene family; plus strand), LOC130068679 (ATAC-STARR-seq lymphoblastoid active region 29939; plus strand). Cytogenetic location: Xq26.1.
Variant type: single nucleotide variant.
Coding change: c.32C>G on transcript NM_004208.4 (MANE Select); coding-DNA position 32, C replaced by G.
Protein change: p.Ala11Gly; replaces alanine 11 with glycine.
Molecular consequence: missense variant. On other transcripts: non-coding transcript variant (1).
Genome position (GRCh38, 1-based): chrX:130,165,625, G>C on the plus strand (C>G on the coding strand, the complement: AIFM1 is on the minus strand). VCF-style: chrX-130165625-G-C. GRCh37 (hg19) VCF-style: chrX-129299599-G-C.
Other names: c.32C>G, p.Ala11Gly (NM_001130847.4, NM_145812.3); short protein forms A11G.
Identifiers: ClinVar variation 3029143 (VCV003029143.2), dbSNP rs2523191577, ClinGen allele CA414565467.